The following is an entry in ClinVar:

ClinVar aggregate classification (germline): Uncertain significance (1 of 4 stars; one submission).

Conditions:
Early-infantile DEE. Also called: Ohtahara syndrome; Early infantile epileptic encephalopathy with suppression bursts; Early infantile epileptic encephalopathy. Identifiers: Orphanet 1934, MedGen C0393706, MONDO:0800491.

Allele frequency attached by ClinVar (database versions not stated): gnomAD exomes below 0.00001; gnomAD 0.00002; TOPMed 0.00002.
gnomAD v4.1: 11 of 1,614,034 alleles (0.00068%); highest among the groups gnomAD compares: Admixed American, 0.0083%; no homozygotes.

Submission:

Labcorp Genetics (formerly Invitae), Labcorp
Classification: Uncertain significance for Early-infantile DEE. Last evaluated: 2024-10-11. Review status: criteria provided, single submitter. Criteria: Invitae Variant Classification Sherloc (09022015). Collection method: clinical testing. Allele origin: germline.
Comment: This sequence change replaces serine, which is neutral and polar, with leucine, which is neutral and non-polar, at codon 703 of the SPTAN1 protein (p.Ser703Leu). This variant is present in population databases (no rsID available, gnomAD 0.01%). This variant has not been reported in the literature in individuals affected with SPTAN1-related conditions. ClinVar contains an entry for this variant (Variation ID: 1018491). Invitae Evidence Modeling of protein sequence and biophysical properties (such as structural, functional, and spatial information, amino acid conservation, physicochemical variation, residue mobility, and thermodynamic stability) has been performed for this missense variant. However, the output from this modeling did not meet the statistical confidence thresholds required to predict the impact of this variant on SPTAN1 protein function. In summary, the available evidence is currently insufficient to determine the role of this variant in disease. Therefore, it has been classified as a Variant of Uncertain Significance.

NM_001130438.3(SPTAN1):c.2108C>T (p.Ser703Leu)

Gene: SPTAN1 (spectrin alpha, non-erythrocytic 1; plus strand). Cytogenetic location: 9q34.11.
Variant type: single nucleotide variant.
Coding change: c.2108C>T on transcript NM_001130438.3 (MANE Select); coding-DNA position 2108, C replaced by T.
Protein change: p.Ser703Leu; replaces serine 703 with leucine.
Molecular consequence: missense variant.
Genome position (GRCh38, 1-based): chr9:128,583,884, C>T. VCF-style: chr9-128583884-C-T. GRCh37 (hg19) VCF-style: chr9-131346163-C-T.
Other names: c.2108C>T, p.Ser703Leu (NM_001195532.2, NM_001363759.2, NM_001363765.2 and 5 more transcripts); c.2144C>T, p.Ser715Leu (NM_001375312.2, NM_001375318.1); short protein forms S703L, S715L.
Identifiers: ClinVar variation 1018491 (VCV001018491.11), dbSNP rs866425525, ClinGen allele CA200380068.
Genomic context (GRCh38, chr9:128,583,884, plus strand): 5'-TTAATCGCAATGTTGAGGATATTGAATTGTGGCTATATGAAGTAGAAGGTCACTTGGCTT[C>T]GGATGATTACGGCAAAGATCTTACCAATGTGCAGAACCTCCAGAAGAAACATGCACTGCT-3'
Protein context (NP_001123910.1, residues 693-713): WLYEVEGHLA[Ser703Leu]DDYGKDLTNV